The following is an entry in ClinVar:

NM_000057.4(BLM):c.888T>C (p.Tyr296=)

Gene: BLM (BLM RecQ like helicase; plus strand). Cytogenetic location: 15q26.1.
Variant type: single nucleotide variant.
Coding change: c.888T>C on transcript NM_000057.4 (MANE Select); coding-DNA position 888, T replaced by C.
Protein change: p.Tyr296=; no amino-acid change (tyrosine 296 retained).
Molecular consequence: synonymous variant. On other transcripts: 5 prime UTR variant (1).
Genome position (GRCh38, 1-based): chr15:90,751,875, T>C. VCF-style: chr15-90751875-T-C. GRCh37 (hg19) VCF-style: chr15-91295105-T-C.
Other names: c.888T>C, p.Tyr296= (NM_001287246.2, NM_001287247.2); c.-404T>C (NM_001287248.2).
Identifiers: ClinVar variation 584504 (VCV000584504.15), dbSNP rs139277089, ClinGen allele CA7738385.

ClinVar aggregate classification (germline): Conflicting classifications of pathogenicity. Review status: criteria provided, conflicting classifications (1 of 4 stars). 5 submissions from 5 submitters: Uncertain significance (1); Likely benign (4). Last evaluated 2026-06-01.

Conditions:
Hereditary cancer-predisposing syndrome. Also called: Tumor predisposition; Hereditary Cancer Syndrome; Hereditary neoplastic syndrome; Neoplastic Syndromes, Hereditary. Identifiers: Orphanet 140162, MedGen C0027672, MeSH D009386, MONDO:0015356.
Bloom syndrome (BLM). Also called: Bloom-Torre-Machacek syndrome. Identifiers: Orphanet 125, MedGen C0005859, MONDO:0008876, OMIM 210900.

Allele frequency attached by ClinVar (database versions not stated): gnomAD exomes below 0.00001 and 0.00001; ExAC 0.00002; TOPMed 0.00002; ESP Exome Variant Server 0.00015.
gnomAD v4.1: 6 of 1,612,976 alleles (0.00037%); highest among the groups gnomAD compares: Non-Finnish European, 0.00051%; no homozygotes.

Submissions (5):

CeGaT Center for Human Genetics Tuebingen
Classification: Likely benign. Last evaluated: 2026-06-01. Review status: criteria provided, single submitter. Criteria: CeGaT Center For Human Genetics Tuebingen Variant Classification Criteria Version 2. Collection method: clinical testing. Allele origin: germline. Affected: yes. Observed: 1 variant allele.
Comment: BLM: BP4, BP7

Labcorp Genetics (formerly Invitae), Labcorp
Classification: Likely benign for Bloom syndrome. Last evaluated: 2025-11-24. Review status: criteria provided, single submitter. Criteria: Invitae Variant Classification Sherloc (09022015). Collection method: clinical testing. Allele origin: germline.

Ambry Genetics
Classification: Likely benign for Hereditary cancer-predisposing syndrome. Last evaluated: 2025-04-08. Review status: criteria provided, single submitter. Criteria: Ambry Variant Classification Scheme 2023. Collection method: clinical testing. Allele origin: germline.

Blueprint Genetics
Classification: Likely benign. Last evaluated: 2024-05-03. Review status: criteria provided, single submitter. Criteria: ACMG Guidelines, 2015. Collection method: clinical testing. Allele origin: germline.

GeneKor MSA
Classification: Uncertain significance for Hereditary cancer-predisposing syndrome. Last evaluated: 2018-08-01. Review status: criteria provided, single submitter. Criteria: ACMG Guidelines, 2015. Collection method: clinical testing. Allele origin: germline. Affected: yes.